The following is an entry in ClinVar:

ClinVar aggregate classification (germline): Uncertain significance. Review status: criteria provided, multiple submitters, no conflicts (2 of 4 stars). 3 submissions from 3 submitters: Uncertain significance (3). Last evaluated 2026-02-25.

Conditions:
Inborn genetic diseases. Identifiers: MedGen C0950123, MeSH D030342.
Rubinstein-Taybi syndrome due to EP300 haploinsufficiency. Also called: RUBINSTEIN-TAYBI SYNDROME 2; EP300-Related Rubinstein-Taybi Syndrome. Identifiers: Orphanet 353284, Orphanet 783, MedGen C3150941, MONDO:0013364, OMIM 613684.

gnomAD v4.1: 4 of 1,613,878 alleles (0.00025%); highest among the groups gnomAD compares: Non-Finnish European, 0.00034%; no homozygotes.

Submissions (3):

Ambry Genetics
Classification: Uncertain significance for Inborn genetic diseases. Last evaluated: 2026-02-25. Review status: criteria provided, single submitter. Criteria: Ambry Variant Classification Scheme 2023. Collection method: clinical testing. Allele origin: germline.

Labcorp Genetics (formerly Invitae), Labcorp
Classification: Uncertain significance for Rubinstein-Taybi syndrome due to EP300 haploinsufficiency. Last evaluated: 2025-09-17. Review status: criteria provided, single submitter. Criteria: Invitae Variant Classification Sherloc (09022015). Collection method: clinical testing. Allele origin: germline.
Comment: This sequence change replaces threonine, which is neutral and polar, with alanine, which is neutral and non-polar, at codon 957 of the EP300 protein (p.Thr957Ala). This variant is not present in population databases (gnomAD no frequency). This variant has not been reported in the literature in individuals affected with EP300-related conditions. Invitae Evidence Modeling of protein sequence and biophysical properties (such as structural, functional, and spatial information, amino acid conservation, physicochemical variation, residue mobility, and thermodynamic stability) indicates that this missense variant is not expected to disrupt EP300 protein function with a negative predictive value of 80%. In summary, the available evidence is currently insufficient to determine the role of this variant in disease. Therefore, it has been classified as a Variant of Uncertain Significance.

Blueprint Genetics
Classification: Uncertain significance. Last evaluated: 2021-08-17. Review status: criteria provided, single submitter. Criteria: ACMG Guidelines, 2015. Collection method: clinical testing. Allele origin: germline.

NM_001429.4(EP300):c.2869A>G (p.Thr957Ala)

Genes: EP300 (EP300 lysine acetyltransferase; plus strand), LOC126863158 (BRD4-independent group 4 enhancer GRCh37_chr22:41547383-41548582; plus strand). Cytogenetic location: 22q13.2.
Variant type: single nucleotide variant.
Coding change: c.2869A>G on transcript NM_001429.4 (MANE Select); coding-DNA position 2869, A replaced by G.
Protein change: p.Thr957Ala; replaces threonine 957 with alanine.
Molecular consequence: missense variant.
Genome position (GRCh38, 1-based): chr22:41,151,884, A>G. VCF-style: chr22-41151884-A-G. GRCh37 (hg19) VCF-style: chr22-41547888-A-G.
Other names: c.2869A>G (NM_001429.3); c.2791A>G, p.Thr931Ala (NM_001362843.2); short protein forms T931A, T957A.
Identifiers: ClinVar variation 4744071 (VCV004744071.3).